The following is an entry in ClinVar:

NM_018474.6(KIZ):c.1571A>T (p.Lys524Ile)

Genes: KIZ (kizuna centrosomal protein; plus strand), KIZ-AS1 (KIZ antisense RNA 1; minus strand). Cytogenetic location: 20p11.23.
Variant type: single nucleotide variant.
Coding change: c.1571A>T on transcript NM_018474.6 (MANE Select); coding-DNA position 1571, A replaced by T.
Protein change: p.Lys524Ile; replaces lysine 524 with isoleucine.
Molecular consequence: missense variant.
Genome position (GRCh38, 1-based): chr20:21,214,659, A>T. VCF-style: chr20-21214659-A-T. GRCh37 (hg19) VCF-style: chr20-21195297-A-T.
Other names: c.1262A>T, p.Lys421Ile (NM_001163022.3); c.1172A>T, p.Lys391Ile (NM_001163023.3); c.1424A>T, p.Lys475Ile (NM_001276389.2); c.1517A>T, p.Lys506Ile (NM_001352434.2); c.1208A>T, p.Lys403Ile (NM_001352435.2); c.1229A>T, p.Lys410Ile (NM_001352436.2); short protein forms K410I, K475I, K421I, K391I, K403I, K506I, K524I.
Identifiers: ClinVar variation 2097553 (VCV002097553.4), dbSNP rs763190089, ClinGen allele CA9784906.
Genomic context (GRCh38, chr20:21,214,659, plus strand): 5'-GTGAATCATCTTGCAGCTTGCCATCTATTCTGAATGACAATAGTGGAATAAAGGAAGCCA[A>T]ACCTGCTGTATGGCTCAACAGTGTTCCTACAAGGGAACAAGGTAACTATTGTTAAAGTGT-3'
Protein context (NP_060944.3, residues 514-534): LNDNSGIKEA[Lys524Ile]PAVWLNSVPT

ClinVar aggregate classification (germline): Uncertain significance (1 of 4 stars; one submission).

gnomAD v4.1: 1 of 1,612,412 alleles (0.000062%); highest among the groups gnomAD compares: Admixed American, 0.0017%; no homozygotes.

Submission:

Labcorp Genetics (formerly Invitae), Labcorp
Classification: Uncertain significance. Last evaluated: 2022-02-14. Review status: criteria provided, single submitter. Criteria: Invitae Variant Classification Sherloc (09022015). Collection method: clinical testing. Allele origin: germline.
Comment: In summary, the available evidence is currently insufficient to determine the role of this variant in disease. Therefore, it has been classified as a Variant of Uncertain Significance. This sequence change replaces lysine, which is basic and polar, with isoleucine, which is neutral and non-polar, at codon 524 of the KIZ protein (p.Lys524Ile). This variant is present in population databases (rs763190089, gnomAD 0.003%). This variant has not been reported in the literature in individuals affected with KIZ-related conditions. Experimental studies and prediction algorithms are not available or were not evaluated, and the functional significance of this variant is currently unknown.